The following is an entry in ClinVar:

NM_000545.8(HNF1A):c.361T>C (p.Ser121Pro)

Gene: HNF1A (HNF1 homeobox A; plus strand). Cytogenetic location: 12q24.31.
Variant type: single nucleotide variant.
Coding change: c.361T>C on transcript NM_000545.8 (MANE Select); coding-DNA position 361, T replaced by C.
Protein change: p.Ser121Pro; replaces serine 121 with proline.
Molecular consequence: missense variant.
Genome position (GRCh38, 1-based): chr12:120,988,867, T>C. VCF-style: chr12-120988867-T-C. GRCh37 (hg19) VCF-style: chr12-121426670-T-C.
Other names: c.361T>C, p.Ser121Pro (NM_001306179.2); short protein forms S121P.
Identifiers: ClinVar variation 1187378 (VCV001187378.6), dbSNP rs2135832515, ClinGen allele CA386959096.

ClinVar aggregate classification (germline): Uncertain significance. Review status: criteria provided, multiple submitters, no conflicts (2 of 4 stars). 3 submissions from 3 submitters: Uncertain significance (3). Last evaluated 2026-10-14.

Submissions (3):

GeneDx
Classification: Uncertain significance. Last evaluated: 2026-10-14. Review status: criteria provided, single submitter. Criteria: GeneDx Variant Classification Process June 2021. Collection method: clinical testing. Allele origin: germline.
Comment: Identified in patients with suspected monogenic diabetes in published literature (PMID: 34789499, 36257325) but additional evidence is not available; Not observed at significant frequency in large population cohorts (gnomAD); In silico analysis supports that this missense variant has a deleterious effect on protein structure/function; This variant is associated with the following publications: (PMID: 36257325, 34789499, 18003757, 12453420)

Labcorp Genetics (formerly Invitae), Labcorp
Classification: Uncertain significance. Last evaluated: 2025-02-12. Review status: criteria provided, single submitter. Criteria: Invitae Variant Classification Sherloc (09022015). Collection method: clinical testing. Allele origin: germline.
Comment: This sequence change replaces serine, which is neutral and polar, with proline, which is neutral and non-polar, at codon 121 of the HNF1A protein (p.Ser121Pro). This variant is not present in population databases (gnomAD no frequency). This missense change has been observed in individual(s) with maturity-onset diabetes of the young (PMID: 34789499, 36257325). ClinVar contains an entry for this variant (Variation ID: 1187378). Invitae Evidence Modeling of protein sequence and biophysical properties (such as structural, functional, and spatial information, amino acid conservation, physicochemical variation, residue mobility, and thermodynamic stability) indicates that this missense variant is not expected to disrupt HNF1A protein function with a negative predictive value of 80%. In summary, the available evidence is currently insufficient to determine the role of this variant in disease. Therefore, it has been classified as a Variant of Uncertain Significance.

ARUP Laboratories, Molecular Genetics and Genomics, ARUP Laboratories
Classification: Uncertain significance. Last evaluated: 2024-09-24. Review status: criteria provided, single submitter. Criteria: ARUP Molecular Germline Variant Investigation Process 2024. Collection method: clinical testing. Allele origin: germline.
Comment: The HNF1A c.361T>C; p.Ser121Pro variant (rs2135832515; ClinVar Variation ID: 1187378) is reported in the literature in individuals with clinical suspicion of MODY (Colclough 2022, Mirshahi 2022). This variant is absent from the Genome Aggregation Database (v2.1.1), indicating it is not a common polymorphism. Computational analyses predict that this variant is deleterious (REVEL: 0.865). Due to limited information, the clinical significance of this variant is uncertain at this time. References: Colclough K et al. Syndromic Monogenic Diabetes Genes Should Be Tested in Patients With a Clinical Suspicion of Maturity-Onset Diabetes of the Young. Diabetes. 2022 Mar 1;71(3):530-537. PMID: 34789499. Mirshahi UL et al. Reduced penetrance of MODY-associated HNF1A/HNF4A variants but not GCK variants in clinically unselected cohorts. Am J Hum Genet. 2022 Nov 3;109(11):2018-2028. PMID: 36257325.

Literature cited by the submitters: PubMed 34789499 (cited by Labcorp Genetics (formerly Invitae), Labcorp); PubMed 36257325 (cited by Labcorp Genetics (formerly Invitae), Labcorp).